The following is an entry in ClinVar:

ClinVar aggregate classification (germline): Likely benign (1 of 4 stars; one submission).

Conditions:
KCNT2-related disorder. Also called: KCNT2-related condition. Identifiers: MedGen CN236796.

gnomAD v4.1: 34 of 1,610,232 alleles (0.0021%); highest among the groups gnomAD compares: Non-Finnish European, 0.0028%; no homozygotes.

Submission:

PreventionGenetics, part of Exact Sciences
Classification: Likely benign for KCNT2-related condition. Last evaluated: 2025-10-15. Review status: criteria provided, single submitter. Criteria: ACMG Guidelines, 2015. Collection method: clinical testing. Allele origin: germline.
Comment: This variant is classified as likely benign based on ACMG/AMP sequence variant interpretation guidelines (Richards et al. 2015 PMID: 25741868, with internal and published modifications).

NM_198503.5(KCNT2):c.2055T>C (p.Cys685=)

Gene: KCNT2 (potassium sodium-activated channel subfamily T member 2; minus strand). Cytogenetic location: 1q31.3.
Variant type: single nucleotide variant.
Coding change: c.2055T>C on transcript NM_198503.5 (MANE Select); coding-DNA position 2055, T replaced by C.
Protein change: p.Cys685=; no amino-acid change (cysteine 685 retained).
Molecular consequence: synonymous variant. On other transcripts: non-coding transcript variant (2).
Genome position (GRCh38, 1-based): chr1:196,331,204, A>G on the plus strand (T>C on the coding strand, the complement: KCNT2 is on the minus strand). VCF-style: chr1-196331204-A-G. GRCh37 (hg19) VCF-style: chr1-196300334-A-G.
Other names: c.2055T>C, p.Cys685= (NM_001287819.3); c.1905T>C, p.Cys635= (NM_001287820.3).
Identifiers: ClinVar variation 4989444 (VCV004989444.1).